The following is an entry in ClinVar:

ClinVar aggregate classification (germline): Uncertain significance (1 of 4 stars; one submission).

Conditions:
Genitopatellar syndrome (GTPTS). Also called: ABSENT PATELLAE, SCROTAL HYPOPLASIA, RENAL ANOMALIES, FACIAL DYSMORPHISM, AND MENTAL RETARDATION; Genitopatellar syndrome (GPS). Identifiers: Orphanet 85201, MedGen C1853566, MONDO:0011640, OMIM 606170.

Submission:

Labcorp Genetics (formerly Invitae), Labcorp
Classification: Uncertain significance for Genitopatellar syndrome. Last evaluated: 2025-03-05. Review status: criteria provided, single submitter. Criteria: Invitae Variant Classification Sherloc (09022015). Collection method: clinical testing. Allele origin: germline.
Comment: This sequence change replaces proline, which is neutral and non-polar, with arginine, which is basic and polar, at codon 489 of the KAT6B protein (p.Pro489Arg). This variant is not present in population databases (gnomAD no frequency). This variant has not been reported in the literature in individuals affected with KAT6B-related conditions. An algorithm developed to predict the effect of missense changes on protein structure and function (PolyPhen-2) suggests that this variant is likely to be disruptive. In summary, the available evidence is currently insufficient to determine the role of this variant in disease. Therefore, it has been classified as a Variant of Uncertain Significance.

NM_012330.4(KAT6B):c.1466C>G (p.Pro489Arg)

Gene: KAT6B (lysine acetyltransferase 6B; plus strand). Cytogenetic location: 10q22.2.
Variant type: single nucleotide variant.
Coding change: c.1466C>G on transcript NM_012330.4 (MANE Select); coding-DNA position 1466, C replaced by G.
Protein change: p.Pro489Arg; replaces proline 489 with arginine.
Molecular consequence: missense variant. On other transcripts: intron variant (13).
Genome position (GRCh38, 1-based): chr10:74,975,803, C>G. VCF-style: chr10-74975803-C-G. GRCh37 (hg19) VCF-style: chr10-76735561-C-G.
Other names: c.1466C>G, p.Pro489Arg (NM_001370136.1, NM_001370137.1); c.1117+349C>G (NM_001370139.1, NM_001370140.1, NM_001370141.1 and 3 more transcripts); c.1444+22C>G (NM_001370138.1, NM_001256468.2); c.846+6028C>G (NM_001370133.1); c.193-3421C>G (NM_001370134.1); c.929-1513C>G (NM_001370143.1, NM_001370144.1); c.193-13216C>G (NM_001370135.1); short protein forms P489R.
Identifiers: ClinVar variation 4714414 (VCV004714414.1).